The following is an entry in ClinVar:

ClinVar aggregate classification (germline): Pathogenic. Review status: criteria provided, multiple submitters, no conflicts (2 of 4 stars). 2 submissions from 2 submitters: Pathogenic (2). Last evaluated 2025-03-13.

Conditions:
Early-infantile DEE. Also called: Early infantile epileptic encephalopathy; Early infantile epileptic encephalopathy with suppression bursts; Ohtahara syndrome. Identifiers: Orphanet 1934, MedGen C0393706, MONDO:0800491.

Submissions (2):

GeneDx
Classification: Pathogenic. Last evaluated: 2025-03-13. Review status: criteria provided, single submitter. Criteria: GeneDx Variant Classification Process June 2021. Collection method: clinical testing. Allele origin: germline. Affected: yes.
Comment: Nonsense variant predicted to result in protein truncation or nonsense mediated decay in a gene for which loss of function is a known mechanism of disease; Not observed at significant frequency in large population cohorts (gnomAD); Has not been previously published as pathogenic or benign to our knowledge

Labcorp Genetics (formerly Invitae), Labcorp
Classification: Pathogenic for Early-infantile DEE. Last evaluated: 2023-01-05. Review status: criteria provided, single submitter. Criteria: Invitae Variant Classification Sherloc (09022015). Collection method: clinical testing. Allele origin: germline.
Comment: This sequence change creates a premature translational stop signal (p.Lys1313*) in the SCN1A gene. It is expected to result in an absent or disrupted protein product. Loss-of-function variants in SCN1A are known to be pathogenic (PMID: 17347258, 18930999). This variant is not present in population databases (gnomAD no frequency). This variant has not been reported in the literature in individuals affected with SCN1A-related conditions. For these reasons, this variant has been classified as Pathogenic.

Literature cited by the submitters: PubMed 17347258 (cited by Labcorp Genetics (formerly Invitae), Labcorp); PubMed 18930999 (cited by Labcorp Genetics (formerly Invitae), Labcorp).

NM_001165963.4(SCN1A):c.3937A>T (p.Lys1313Ter)

Genes: SCN1A (sodium voltage-gated channel alpha subunit 1; minus strand), LOC102724058 (uncharacterized LOC102724058; plus strand). Cytogenetic location: 2q24.3.
Variant type: single nucleotide variant.
Coding change: c.3937A>T on transcript NM_001165963.4 (MANE Select); coding-DNA position 3937, A replaced by T.
Protein change: p.Lys1313Ter; replaces lysine 1313 with a stop codon.
Molecular consequence: nonsense. On other transcripts: non-coding transcript variant (1).
Genome position (GRCh38, 1-based): chr2:166,009,784, T>A on the plus strand (A>T on the coding strand, the complement: SCN1A is on the minus strand). VCF-style: chr2-166009784-T-A. GRCh37 (hg19) VCF-style: chr2-166866294-T-A.
Other names: c.3901A>T, p.Lys1301Ter (NM_001353955.2, NM_001353954.2); c.3853A>T, p.Lys1285Ter (NM_001353957.2, NM_001353958.2, NM_001165964.3); c.3850A>T, p.Lys1284Ter (NM_001353960.2); c.1495A>T, p.Lys499Ter (NM_001353961.2); c.3904A>T, p.Lys1302Ter (NM_006920.6, NM_001353949.2, NM_001353950.2 and 2 more transcripts); c.3937A>T, p.Lys1313Ter (NM_001202435.3, NM_001353948.2); c.3937A>T (NM_001165963.1); short protein forms K1284*, K1285*, K1301*, K1302*, K1313*, K499*.
Identifiers: ClinVar variation 2826371 (VCV002826371.4), dbSNP rs150017890, ClinGen allele CA349053188.